The following is an entry in ClinVar:

NM_004586.3(RPS6KA3):c.845+4_845+7del

Gene: RPS6KA3 (ribosomal protein S6 kinase A3; minus strand). Cytogenetic location: Xp22.12.
Variant type: Microsatellite.
Coding change: c.845+4_845+7del on transcript NM_004586.3 (MANE Select); bases 4 to 7 of the intron after coding-DNA position 845, 4 bases deleted (AGTA; older notation c.845+4_845+7delAGTA).
Molecular consequence: splice donor variant.
Genome position (GRCh38, 1-based): chrX:20,186,289-20,186,292, TACT deleted on the plus strand (AGTA on the coding strand, the reverse complement: RPS6KA3 is on the minus strand); deleting any 4 consecutive bases within chrX:20,186,289-20,186,298 gives the same sequence; the c. name uses the placement nearest the transcript's 3' end. VCF-style (leftmost placement, unchanged base first): chrX-20186288-GTACT-G. GRCh37 (hg19) VCF-style: chrX-20204406-GTACT-G.
Identifiers: ClinVar variation 3340300 (VCV003340300.1).

ClinVar aggregate classification (germline): Pathogenic (1 of 4 stars; one submission).

Submission:

GeneDx
Classification: Pathogenic. Last evaluated: 2024-01-08. Review status: criteria provided, single submitter. Criteria: GeneDx Variant Classification Process June 2021. Collection method: clinical testing. Allele origin: germline. Affected: yes.
Comment: Intronic variant directly or indirectly altering the +5 splice site in a gene for which loss of function is a known mechanism of disease, and splice predictors support a deleterious effect; Has not been previously published as pathogenic or benign to our knowledge; Not observed at significant frequency in large population cohorts (gnomAD)